The following is an entry in ClinVar:

ClinVar aggregate classification (germline): Uncertain significance. Review status: criteria provided, multiple submitters, no conflicts (2 of 4 stars). 3 submissions from 3 submitters: Uncertain significance (3). Last evaluated 2024-10-28.

Conditions:
Colorectal cancer. Also called: Malignant Colorectal Neoplasm; Colorectal cancer, somatic. Identifiers: MedGen C0346629, MONDO:0005575, OMIM 114500.
Hereditary cancer-predisposing syndrome. Also called: Neoplastic Syndromes, Hereditary; Tumor predisposition; Hereditary Cancer Syndrome; Hereditary neoplastic syndrome. Identifiers: Orphanet 140162, MedGen C0027672, MeSH D009386, MONDO:0015356.
Oligodontia-cancer predisposition syndrome. Also called: TOOTH AGENESIS-COLORECTAL CANCER SYNDROME. Identifiers: Orphanet 300576, MedGen C1837750, MONDO:0012075, OMIM 608615. Disease mechanism: loss of function.

Allele frequency attached by ClinVar (database versions not stated): gnomAD exomes below 0.00001.
gnomAD v4.1: 1 of 1,614,102 alleles (0.000062%); highest among the groups gnomAD compares: East Asian, 0.0022%; no homozygotes.

Submissions (3):

Labcorp Genetics (formerly Invitae), Labcorp
Classification: Uncertain significance for Oligodontia-cancer predisposition syndrome. Last evaluated: 2024-10-28. Review status: criteria provided, single submitter. Criteria: Invitae Variant Classification Sherloc (09022015). Collection method: clinical testing. Allele origin: germline.
Comment: This sequence change replaces glutamic acid, which is acidic and polar, with alanine, which is neutral and non-polar, at codon 198 of the AXIN2 protein (p.Glu198Ala). This variant is not present in population databases (gnomAD no frequency). This variant has not been reported in the literature in individuals affected with AXIN2-related conditions. ClinVar contains an entry for this variant (Variation ID: 464632). Invitae Evidence Modeling of protein sequence and biophysical properties (such as structural, functional, and spatial information, amino acid conservation, physicochemical variation, residue mobility, and thermodynamic stability) indicates that this missense variant is not expected to disrupt AXIN2 protein function with a negative predictive value of 80%. In summary, the available evidence is currently insufficient to determine the role of this variant in disease. Therefore, it has been classified as a Variant of Uncertain Significance.

Ambry Genetics
Classification: Uncertain significance for Hereditary cancer-predisposing syndrome. Last evaluated: 2024-05-01. Review status: criteria provided, single submitter. Criteria: Ambry Variant Classification Scheme 2023. Collection method: clinical testing. Allele origin: germline.
Comment: The p.E198A variant (also known as c.593A>C), located in coding exon 1 of the AXIN2 gene, results from an A to C substitution at nucleotide position 593. The glutamic acid at codon 198 is replaced by alanine, an amino acid with dissimilar properties. This amino acid position is well conserved in available vertebrate species. In addition, this alteration is predicted to be tolerated by in silico analysis. Based on the available evidence, the clinical significance of this variant remains unclear.

Baylor Genetics
Classification: Uncertain significance for Colorectal cancer. Last evaluated: 2023-05-26. Review status: criteria provided, single submitter. Criteria: ACMG Guidelines, 2015. Collection method: clinical testing. Allele origin: unknown.

NM_004655.4(AXIN2):c.593A>C (p.Glu198Ala)

Gene: AXIN2 (axin 2; minus strand). Cytogenetic location: 17q24.1.
Variant type: single nucleotide variant.
Coding change: c.593A>C on transcript NM_004655.4 (MANE Select); coding-DNA position 593, A replaced by C.
Protein change: p.Glu198Ala; replaces glutamic acid 198 with alanine.
Molecular consequence: missense variant.
Genome position (GRCh38, 1-based): chr17:65,558,028, T>G on the plus strand (A>C on the coding strand, the complement: AXIN2 is on the minus strand). VCF-style: chr17-65558028-T-G. GRCh37 (hg19) VCF-style: chr17-63554146-T-G.
Other names: c.593A>C, p.Glu198Ala (NM_001363813.1); c.593A>C (LRG_296t1); short protein forms E198A.
Identifiers: ClinVar variation 464632 (VCV000464632.13), dbSNP rs1555583360, ClinGen allele CA400680753.